The following is an entry in ClinVar:

ClinVar aggregate classification (germline): Uncertain significance (1 of 4 stars; one submission).

Conditions:
Hereditary spastic paraplegia 54. Also called: Spastic paraplegia 54, autosomal recessive. Identifiers: Orphanet 320380, MedGen C3539495, MONDO:0014018, OMIM 615033.

Allele frequency attached by ClinVar (database versions not stated): TOPMed below 0.00001; gnomAD 0.00001.
gnomAD v4.1: 2 of 1,614,038 alleles (0.00012%); highest among the groups gnomAD compares: East Asian, 0.0022%; no homozygotes.

Submission:

Labcorp Genetics (formerly Invitae), Labcorp
Classification: Uncertain significance for Hereditary spastic paraplegia 54. Last evaluated: 2022-01-26. Review status: criteria provided, single submitter. Criteria: Invitae Variant Classification Sherloc (09022015). Collection method: clinical testing. Allele origin: germline.
Comment: In summary, the available evidence is currently insufficient to determine the role of this variant in disease. Therefore, it has been classified as a Variant of Uncertain Significance. Algorithms developed to predict the effect of missense changes on protein structure and function output the following: SIFT: "Tolerated"; PolyPhen-2: "Not Available"; Align-GVGD: "Class C0". The histidine amino acid residue is found in multiple mammalian species, which suggests that this missense change does not adversely affect protein function. This variant has not been reported in the literature in individuals affected with DDHD2-related conditions. This variant is present in population databases (no rsID available, gnomAD 0.06%). This sequence change replaces glutamine, which is neutral and polar, with histidine, which is basic and polar, at codon 10 of the DDHD2 protein (p.Gln10His).

NM_015214.3(DDHD2):c.30G>C (p.Gln10His)

Gene: DDHD2 (DDHD domain containing 2; plus strand). Cytogenetic location: 8p11.23.
Variant type: single nucleotide variant.
Coding change: c.30G>C on transcript NM_015214.3 (MANE Select); coding-DNA position 30, G replaced by C.
Protein change: p.Gln10His; replaces glutamine 10 with histidine.
Molecular consequence: missense variant. On other transcripts: non-coding transcript variant (2).
Genome position (GRCh38, 1-based): chr8:38,233,024, G>C. VCF-style: chr8-38233024-G-C. GRCh37 (hg19) VCF-style: chr8-38090542-G-C.
Other names: c.30G>C, p.Gln10His (NM_001164232.2, NM_001164234.2, NM_001362911.2 and 3 more transcripts); short protein forms Q10H.
Identifiers: ClinVar variation 1970142 (VCV001970142.5), dbSNP rs1457593168, ClinGen allele CA370709431.